The following is an entry in ClinVar:

NM_001378120.1(MBD5):c.2674G>C (p.Val892Leu)

Gene: MBD5 (methyl-CpG binding domain protein 5; plus strand). Cytogenetic location: 2q23.1.
Variant type: single nucleotide variant.
Coding change: c.2674G>C on transcript NM_001378120.1 (MANE Select); coding-DNA position 2674, G replaced by C.
Protein change: p.Val892Leu; replaces valine 892 with leucine.
Molecular consequence: missense variant.
Genome position (GRCh38, 1-based): chr2:148,483,265, G>C. VCF-style: chr2-148483265-G-C. GRCh37 (hg19) VCF-style: chr2-149240834-G-C.
Other names: p.Val892Leu; c.2674G>C, p.Val892Leu (NM_018328.5); short protein forms V892L.
Identifiers: ClinVar variation 2682748 (VCV002682748.3), dbSNP rs2469974447, ClinGen allele CA348722454.

ClinVar aggregate classification (germline): Uncertain significance. Review status: criteria provided, multiple submitters, no conflicts (2 of 4 stars). 2 submissions from 2 submitters: Uncertain significance (2). Last evaluated 2024-06-12.

Conditions:
Intellectual developmental disorder, autosomal dominant 1. Also called: Intellectual disability, autosomal dominant 1; MBD5 Haploinsufficiency. Identifiers: Orphanet 228402, MedGen C1969562, MONDO:0007974, OMIM 156200.

Submissions (2):

Labcorp Genetics (formerly Invitae), Labcorp
Classification: Uncertain significance for Intellectual developmental disorder, autosomal dominant 1. Last evaluated: 2024-06-12. Review status: criteria provided, single submitter. Criteria: Invitae Variant Classification Sherloc (09022015). Collection method: clinical testing. Allele origin: germline.
Comment: This sequence change replaces valine, which is neutral and non-polar, with leucine, which is neutral and non-polar, at codon 892 of the MBD5 protein (p.Val892Leu). This variant is not present in population databases (gnomAD no frequency). This variant has not been reported in the literature in individuals affected with MBD5-related conditions. Advanced modeling of protein sequence and biophysical properties (such as structural, functional, and spatial information, amino acid conservation, physicochemical variation, residue mobility, and thermodynamic stability) performed at Invitae indicates that this missense variant is not expected to disrupt MBD5 protein function with a negative predictive value of 80%. In summary, the available evidence is currently insufficient to determine the role of this variant in disease. Therefore, it has been classified as a Variant of Uncertain Significance.

Mayo Clinic Laboratories, Mayo Clinic
Classification: Uncertain significance. Last evaluated: 2022-06-01. Review status: criteria provided, single submitter. Criteria: ACMG Guidelines, 2015. Collection method: clinical testing. Allele origin: germline. Observed: 1 variant allele.
Comment: BP4, PM2